The following is an entry in ClinVar:

NM_000369.5(TSHR):c.629_633delinsGGTATTTACCTAAACAGGTATT (p.Asn210fs)

Genes: TSHR (thyroid stimulating hormone receptor; plus strand), TSHR-AS1 (TSHR antisense RNA 1; minus strand). Cytogenetic location: 14q31.1.
Variant type: Indel.
Coding change: c.629_633delinsGGTATTTACCTAAACAGGTATT on transcript NM_000369.5 (MANE Select); coding-DNA positions 629 to 633, ATAAA replaced by GGTATTTACCTAAACAGGTATT.
Protein change: p.Asn210fs; shifts the reading frame from asparagine 210.
Molecular consequence: frameshift variant.
Genome position (GRCh38, 1-based): chr14:81,108,389-81,108,393, ATAAA replaced by GGTATTTACCTAAACAGGTATT. VCF-style: chr14-81108389-ATAAA-GGTATTTACCTAAACAGGTATT. GRCh37 (hg19) VCF-style: chr14-81574733-ATAAA-GGTATTTACCTAAACAGGTATT.
Other names: c.629_633delATAAAinsGGTATTTACCTAAACAGGTATT, p.Asn210Argfs (NM_000369.2); c.629_633delinsGGTATTTACCTAAACAGGTATT, p.Asn210fs (NM_001018036.3, NM_001142626.3); short protein forms N210fs.
Identifiers: ClinVar variation 3346319 (VCV003346319.2).

ClinVar aggregate classification (germline): Likely pathogenic (1 of 4 stars; one submission).

Conditions:
TSHR-related disorder. Also called: TSHR-related disorders; TSHR-related condition.

Submission:

PreventionGenetics, part of Exact Sciences
Classification: Likely pathogenic for TSHR-related condition. Last evaluated: 2026-04-28. Review status: criteria provided, single submitter. Criteria: ACMG Guidelines, 2015. Collection method: clinical testing. Allele origin: germline.
Comment: The TSHR c.629_633delinsGGTATTTACCTAAACAGGTATT variant is predicted to result in a frameshift and premature protein termination (p.Asn210Argfs*10). To our knowledge, this variant has not been reported in the literature or in a large population database, indicating this variant is rare. Frameshift variants in TSHR are expected to be pathogenic. This variant is interpreted as likely pathogenic.